The following is an entry in ClinVar:

NM_001317778.2(SFTPC):c.436-23T>C

Gene: SFTPC (surfactant protein C; plus strand). Cytogenetic location: 8p21.3.
Variant type: single nucleotide variant.
Coding change: c.436-23T>C on transcript NM_001317778.2 (MANE Select); 23 bases into the intron before coding-DNA position 436, T replaced by C.
Molecular consequence: intron variant.
Genome position (GRCh38, 1-based): chr8:22,163,878, T>C. VCF-style: chr8-22163878-T-C. GRCh37 (hg19) VCF-style: chr8-22021391-T-C.
Other names: c.436-5T>C (NM_001385655.1, NM_001385654.1, NM_001385653.1 and 2 more transcripts); c.436-23T>C (NM_001385656.1, NM_001385658.1, NM_001385657.1 and 3 more transcripts); c.277-5T>C (NM_001385660.1, NM_001317779.2).
Identifiers: ClinVar variation 4707545 (VCV004707545.1).
Genomic context (GRCh38, chr8:22,163,878, plus strand): 5'-TGATATACCTGAAGTCCCACAATAAGGGCTGCACATGGGATAGAAACTCACTTCCTACAT[T>C]CCAGATGGAATGCTCTCTGCAGGCCAAGCCCGCAGTGCCTACGTCTAAGCTGGGCCAGGC-3'

ClinVar aggregate classification (germline): Uncertain significance (1 of 4 stars; one submission).

gnomAD v4.1: 3 of 1,603,602 alleles (0.00019%); highest among the groups gnomAD compares: East Asian, 0.0022%; no homozygotes.

Submission:

Labcorp Genetics (formerly Invitae), Labcorp
Classification: Uncertain significance. Last evaluated: 2025-12-02. Review status: criteria provided, single submitter. Criteria: Invitae Variant Classification Sherloc (09022015). Collection method: clinical testing. Allele origin: germline.
Comment: This sequence change falls in intron 4 of the SFTPC gene. It does not directly change the encoded amino acid sequence of the SFTPC protein. This variant is not present in population databases (gnomAD no frequency). This variant has not been reported in the literature in individuals affected with SFTPC-related conditions. Algorithms developed to predict the effect of sequence changes on RNA splicing suggest that this variant may disrupt the consensus splice site. In summary, the available evidence is currently insufficient to determine the role of this variant in disease. Therefore, it has been classified as a Variant of Uncertain Significance.